The following is an entry in ClinVar:

ClinVar aggregate classification (germline): Uncertain significance (1 of 4 stars; one submission).

Conditions:
Kabuki syndrome. Also called: NIIKAWA-KUROKI SYNDROME; Kabuki make-up syndrome. Identifiers: Orphanet 2322, MedGen C0796004, MONDO:0016512.

gnomAD v4.1: 6 of 1,605,952 alleles (0.00037%); highest among the groups gnomAD compares: Middle Eastern, 0.033%; no homozygotes.

Submission:

Labcorp Genetics (formerly Invitae), Labcorp
Classification: Uncertain significance for Kabuki syndrome. Last evaluated: 2024-07-26. Review status: criteria provided, single submitter. Criteria: Invitae Variant Classification Sherloc (09022015). Collection method: clinical testing. Allele origin: germline.
Comment: This sequence change falls in intron 31 of the KMT2D gene. It does not directly change the encoded amino acid sequence of the KMT2D protein. It affects a nucleotide within the consensus splice site. This variant is present in population databases (rs763292715, gnomAD 0.007%). This variant has not been reported in the literature in individuals affected with KMT2D-related conditions. Variants that disrupt the consensus splice site are a relatively common cause of aberrant splicing (PMID: 17576681, 9536098). Algorithms developed to predict the effect of sequence changes on RNA splicing suggest that this variant is not likely to affect RNA splicing. In summary, the available evidence is currently insufficient to determine the role of this variant in disease. Therefore, it has been classified as a Variant of Uncertain Significance.

Literature cited by the submitters: PubMed 17576681; PubMed 9536098.

NM_003482.4(KMT2D):c.8047-3T>C

Gene: KMT2D (lysine methyltransferase 2D; minus strand). Cytogenetic location: 12q13.12.
Variant type: single nucleotide variant.
Coding change: c.8047-3T>C on transcript NM_003482.4 (MANE Select); 3 bases into the intron before coding-DNA position 8047, T replaced by C.
Molecular consequence: intron variant.
Genome position (GRCh38, 1-based): chr12:49,039,620, A>G on the plus strand (T>C on the coding strand, the complement: KMT2D is on the minus strand). VCF-style: chr12-49039620-A-G. GRCh37 (hg19) VCF-style: chr12-49433403-A-G.
Identifiers: ClinVar variation 3611694 (VCV003611694.2).